The following is an entry in ClinVar:

ClinVar aggregate classification (germline): Uncertain significance. Review status: criteria provided, single submitter (1 of 4 stars). 2 submissions from 2 submitters: Uncertain significance (1). 1 of the submissions does not count toward it. Last evaluated 2022-09-22.

Conditions:
Ataxia-telangiectasia syndrome (AT). Also called: Cerebello-oculocutaneous telangiectasia; Immunodeficiency with ataxia telangiectasia; Ataxia telangiectasia (A-T); LOUIS-BAR SYNDROME; ATAXIA-TELANGIECTASIA, COMPLEMENTATION GROUP A; ATAXIA-TELANGIECTASIA, FRESNO VARIANT. Identifiers: Orphanet 100, MedGen C0004135, MONDO:0008840, OMIM 208900.

Submissions (2):

Labcorp Genetics (formerly Invitae), Labcorp
Classification: Uncertain significance for Ataxia-telangiectasia syndrome. Last evaluated: 2022-09-22. Review status: criteria provided, single submitter. Criteria: Invitae Variant Classification Sherloc (09022015). Collection method: clinical testing. Allele origin: germline.
Comment: This sequence change replaces glutamine, which is neutral and polar, with histidine, which is basic and polar, at codon 1361 of the ATM protein (p.Gln1361His). This variant is not present in population databases (gnomAD no frequency). This variant has not been reported in the literature in individuals affected with ATM-related conditions. ClinVar contains an entry for this variant (Variation ID: 216211). Algorithms developed to predict the effect of missense changes on protein structure and function output the following: SIFT: "Deleterious"; PolyPhen-2: "Benign"; Align-GVGD: "Class C0". The histidine amino acid residue is found in multiple mammalian species, which suggests that this missense change does not adversely affect protein function. In summary, the available evidence is currently insufficient to determine the role of this variant in disease. Therefore, it has been classified as a Variant of Uncertain Significance.

Natera, Inc.
Classification: Uncertain significance for Ataxia-telangiectasia. Last evaluated: 2020-09-16. Review status: no assertion criteria provided. Collection method: clinical testing. Allele origin: germline. Not counted in ClinVar's aggregate classification.

NM_000051.4(ATM):c.4083G>T (p.Gln1361His)

Gene: ATM (ATM serine/threonine kinase; plus strand). Cytogenetic location: 11q22.3.
Variant type: single nucleotide variant.
Coding change: c.4083G>T on transcript NM_000051.4 (MANE Select); coding-DNA position 4083, G replaced by T.
Protein change: p.Gln1361His; replaces glutamine 1361 with histidine.
Molecular consequence: missense variant.
Genome position (GRCh38, 1-based): chr11:108,287,689, G>T. VCF-style: chr11-108287689-G-T. GRCh37 (hg19) VCF-style: chr11-108158416-G-T.
Other names: c.4083G>T, p.Gln1361His (NM_001351834.2); short protein forms Q1361H.
Identifiers: ClinVar variation 216211 (VCV000216211.9), dbSNP rs863224570, ClinGen allele CA339387.
Genomic context (GRCh38, chr11:108,287,689, plus strand): 5'-AGAGATTGTGGTGGAGTTATTGATGACGTTACATGAGCCAGCAAATTCTAGTGCCAGTCA[G>T]AGCACTGACCTCTGTGACTTTTCAGGGTATGTACATTTTAAACTTAGAGAACTAGCTCTA-3'
Protein context (NP_000042.3, residues 1351-1371): LHEPANSSAS[Gln1361His]STDLCDFSGD